The following is an entry in ClinVar:

NM_001376.5(DYNC1H1):c.1827C>G (p.Ile609Met)

Gene: DYNC1H1 (dynein cytoplasmic 1 heavy chain 1; plus strand). Cytogenetic location: 14q32.31.
Variant type: single nucleotide variant.
Coding change: c.1827C>G on transcript NM_001376.5 (MANE Select); coding-DNA position 1827, C replaced by G.
Protein change: p.Ile609Met; replaces isoleucine 609 with methionine.
Molecular consequence: missense variant.
Genome position (GRCh38, 1-based): chr14:101,986,052, C>G. VCF-style: chr14-101986052-C-G. GRCh37 (hg19) VCF-style: chr14-102452389-C-G.
Other names: short protein forms I609M.
Identifiers: ClinVar variation 390612 (VCV000390612.10), dbSNP rs760971556, ClinGen allele CA7351738.
Genomic context (GRCh38, chr14:101,986,052, plus strand): 5'-TGCACTGTTTGTCAGGCCTCACATCCGTGGGGCCATTCGCGAATACCAGACCCAGCTGAT[C>G]CAGCGCGTGAAAGATGACATTGAGTCTCTTCACGACAAGTTCAAGGTCCAGTACCCACAG-3'
Protein context (NP_001367.2, residues 599-619): GAIREYQTQL[Ile609Met]QRVKDDIESL

ClinVar aggregate classification (germline): Conflicting classifications of pathogenicity. Review status: criteria provided, conflicting classifications (1 of 4 stars). 2 submissions from 2 submitters: Likely pathogenic (1); Uncertain significance (1). Last evaluated 2018-10-23.

Conditions:
Charcot-Marie-Tooth disease axonal type 2O. Also called: Charcot-Marie-Tooth disease, axonal, type 20; CHARCOT-MARIE-TOOTH NEUROPATHY, AXONAL, TYPE 2O; CHARCOT-MARIE-TOOTH DISEASE, AXONAL, AUTOSOMAL DOMINANT, TYPE 2O; Charcot-Marie-Tooth Neuropathy Type 2O. Identifiers: Orphanet 284232, MedGen C3280220, MONDO:0013644, OMIM 614228.

Allele frequency attached by ClinVar (database versions not stated): ExAC 0.00001.

Submissions (2):

Labcorp Genetics (formerly Invitae), Labcorp
Classification: Uncertain significance for Charcot-Marie-Tooth disease axonal type 2O. Last evaluated: 2018-10-23. Review status: criteria provided, single submitter. Criteria: Invitae Variant Classification Sherloc (09022015). Collection method: clinical testing. Allele origin: germline.
Comment: In summary, the available evidence is currently insufficient to determine the role of this variant in disease. Therefore, it has been classified as a Variant of Uncertain Significance. Algorithms developed to predict the effect of missense changes on protein structure and function are either unavailable or do not agree on the potential impact of this missense change (SIFT: "Deleterious"; PolyPhen-2: "Probably Damaging"; Align-GVGD: "Class C0"). This variant has not been reported in the literature in individuals with DYNC1H1-related disease. ClinVar contains an entry for this variant (Variation ID: 390612). This variant is present in population databases (rs760971556, ExAC 0.006%). This sequence change replaces isoleucine with methionine at codon 609 of the DYNC1H1 protein (p.Ile609Met). The isoleucine residue is highly conserved and there is a small physicochemical difference between isoleucine and methionine.

GeneDx
Classification: Likely pathogenic. Last evaluated: 2016-11-09. Review status: criteria provided, single submitter. Criteria: GeneDx Variant Classification (06012015). Collection method: clinical testing. Allele origin: germline. Affected: yes.
Comment: The I609M variant in the DYNC1H1 gene has not been reported previously as a pathogenic variant,nor as a benign variant, to our knowledge. The I609M variant was not observed in approximately6500 individuals of European and African American ancestry in the NHLBI Exome SequencingProject, indicating it is not a common benign variant in these populations. The I609M variant is aconservative amino acid substitution, which is not likely to impact secondary protein structure asthese residues share similar properties. However, this substitution occurs within the dimerizationdomain at a position that is conserved across species and in silico analysis predicts this variant isprobably damaging to the protein structure/function. While not published in a peer reviewed journal, adifferent missense variant in the same codon (I609T) was identified by whole exome sequencing in alarge kindred with bilateral proximal lower limb muscle weakness and atrophy (Si Y., 2016), supportingthe functional importance of this residue in the protein. The I609M variant is a strong candidate for apathogenic variant